The following is an entry in ClinVar:

NM_000388.4(CASR):c.3025C>G (p.Arg1009Gly)

Gene: CASR (calcium sensing receptor; plus strand). Cytogenetic location: 3q21.1.
Variant type: single nucleotide variant.
Coding change: c.3025C>G on transcript NM_000388.4 (MANE Select); coding-DNA position 3025, C replaced by G.
Protein change: p.Arg1009Gly; replaces arginine 1009 with glycine.
Molecular consequence: missense variant.
Genome position (GRCh38, 1-based): chr3:122,284,979, C>G. VCF-style: chr3-122284979-C-G. GRCh37 (hg19) VCF-style: chr3-122003826-C-G.
Other names: c.3055C>G, p.Arg1019Gly (NM_001178065.2); c.3055C>G (NM_001178065.1); short protein forms R1009G, R1019G.
Identifiers: ClinVar variation 841497 (VCV000841497.12), dbSNP rs1256856876, ClinGen allele CA354161288.

ClinVar aggregate classification (germline): Uncertain significance. Review status: criteria provided, multiple submitters, no conflicts (2 of 4 stars). 3 submissions from 3 submitters: Uncertain significance (3). Last evaluated 2024-07-25.

Conditions:
Nephrolithiasis/nephrocalcinosis. Identifiers: MedGen CN580796.
Autosomal dominant hypocalcemia 1 (HYPOC1). Also called: HYPOCALCEMIA, FAMILIAL. Identifiers: MedGen C3715128, MONDO:0011013, OMIM 601198.
Familial hypocalciuric hypercalcemia (FHH). Also called: Familial benign hypercalcemia. Identifiers: Orphanet 405, MedGen C1809471, MONDO:0018458.
CASR-related disorder. Also called: CASR-related condition.

Allele frequency attached by ClinVar (database versions not stated): TOPMed 0.00001.
gnomAD v4.1: 25 of 1,614,194 alleles (0.0015%); highest among the groups gnomAD compares: Non-Finnish European, 0.002%; no homozygotes.

Submissions (3):

Ambry Genetics
Classification: Uncertain significance for Nephrolithiasis/nephrocalcinosis. Last evaluated: 2024-07-25. Review status: criteria provided, single submitter. Criteria: Ambry Variant Classification Scheme 2023. Collection method: clinical testing. Allele origin: germline.
Comment: The p.R1009G variant (also known as c.3025C>G), located in coding exon 6 of the CASR gene, results from a C to G substitution at nucleotide position 3025. The arginine at codon 1009 is replaced by glycine, an amino acid with dissimilar properties. This amino acid position is well conserved in available vertebrate species. In addition, the in silico prediction for this alteration is inconclusive. Based on the available evidence, the clinical significance of this variant remains unclear.

Labcorp Genetics (formerly Invitae), Labcorp
Classification: Uncertain significance for Familial hypocalciuric hypercalcemia; Autosomal dominant hypocalcemia 1. Last evaluated: 2024-04-29. Review status: criteria provided, single submitter. Criteria: Invitae Variant Classification Sherloc (09022015). Collection method: clinical testing. Allele origin: germline.
Comment: This sequence change replaces arginine, which is basic and polar, with glycine, which is neutral and non-polar, at codon 1009 of the CASR protein (p.Arg1009Gly). This variant is present in population databases (no rsID available, gnomAD 0.002%). This variant has not been reported in the literature in individuals affected with CASR-related conditions. ClinVar contains an entry for this variant (Variation ID: 841497). An algorithm developed to predict the effect of missense changes on protein structure and function (PolyPhen-2) suggests that this variant is likely to be tolerated. In summary, the available evidence is currently insufficient to determine the role of this variant in disease. Therefore, it has been classified as a Variant of Uncertain Significance.

PreventionGenetics, part of Exact Sciences
Classification: Uncertain significance for CASR-related condition. Last evaluated: 2023-04-12. Review status: criteria provided, single submitter. Criteria: ACMG Guidelines, 2015. Collection method: clinical testing. Allele origin: germline.
Comment: The CASR c.3055C>G variant is predicted to result in the amino acid substitution p.Arg1019Gly. To our knowledge, this variant has not been reported in the literature. This variant is reported in 0.0018% of alleles in individuals of European (Non-Finnish) descent in gnomAD. At this time, the clinical significance of this variant is uncertain due to the absence of conclusive functional and genetic evidence.